The following is an entry in ClinVar:

NM_006206.6(PDGFRA):c.175T>A (p.Tyr59Asn)

Gene: PDGFRA (platelet derived growth factor receptor alpha; plus strand). Cytogenetic location: 4q12.
Variant type: single nucleotide variant.
Coding change: c.175T>A on transcript NM_006206.6 (MANE Select); coding-DNA position 175, T replaced by A.
Protein change: p.Tyr59Asn; replaces tyrosine 59 with asparagine.
Molecular consequence: missense variant.
Genome position (GRCh38, 1-based): chr4:54,261,220, T>A. VCF-style: chr4-54261220-T-A. GRCh37 (hg19) VCF-style: chr4-55127387-T-A.
Other names: c.175T>A, p.Tyr59Asn (NM_001347827.2, NM_001347829.2); c.250T>A, p.Tyr84Asn (NM_001347828.2); c.214T>A, p.Tyr72Asn (NM_001347830.2); short protein forms Y59N, Y72N, Y84N.
Identifiers: ClinVar variation 644105 (VCV000644105.14), dbSNP rs1577705213, ClinGen allele CA356888414.

ClinVar aggregate classification (germline): Uncertain significance. Review status: criteria provided, multiple submitters, no conflicts (2 of 4 stars). 2 submissions from 2 submitters: Uncertain significance (2). Last evaluated 2024-05-20.

Conditions:
Gastrointestinal stromal tumor. Also called: Gastrointestinal stromal tumor, somatic; Gastrointestinal stroma tumor. Identifiers: Orphanet 44890, MedGen C0238198, MeSH D046152, MONDO:0011719, OMIM 606764, HP:0100723.
Hereditary cancer-predisposing syndrome. Also called: Hereditary Cancer Syndrome; Tumor predisposition; Neoplastic Syndromes, Hereditary; Hereditary neoplastic syndrome. Identifiers: Orphanet 140162, MedGen C0027672, MeSH D009386, MONDO:0015356.

Submissions (2):

Labcorp Genetics (formerly Invitae), Labcorp
Classification: Uncertain significance for Gastrointestinal stromal tumor. Last evaluated: 2024-05-20. Review status: criteria provided, single submitter. Criteria: Invitae Variant Classification Sherloc (09022015). Collection method: clinical testing. Allele origin: germline.
Comment: This sequence change replaces tyrosine, which is neutral and polar, with asparagine, which is neutral and polar, at codon 59 of the PDGFRA protein (p.Tyr59Asn). This variant is not present in population databases (gnomAD no frequency). This variant has not been reported in the literature in individuals affected with PDGFRA-related conditions. ClinVar contains an entry for this variant (Variation ID: 644105). Advanced modeling of protein sequence and biophysical properties (such as structural, functional, and spatial information, amino acid conservation, physicochemical variation, residue mobility, and thermodynamic stability) performed at Invitae indicates that this missense variant is not expected to disrupt PDGFRA protein function with a negative predictive value of 80%. In summary, the available evidence is currently insufficient to determine the role of this variant in disease. Therefore, it has been classified as a Variant of Uncertain Significance.

Ambry Genetics
Classification: Uncertain significance for Hereditary cancer-predisposing syndrome. Last evaluated: 2023-02-16. Review status: criteria provided, single submitter. Criteria: Ambry Variant Classification Scheme 2023. Collection method: clinical testing. Allele origin: germline.
Comment: The p.Y59N variant (also known as c.175T>A), located in coding exon 2 of the PDGFRA gene, results from a T to A substitution at nucleotide position 175. The tyrosine at codon 59 is replaced by asparagine, an amino acid with dissimilar properties. This amino acid position is not well conserved in available vertebrate species. In addition, this alteration is predicted to be tolerated by in silico analysis. Since supporting evidence is limited at this time, the clinical significance of this alteration remains unclear.